The following is an entry in ClinVar:

NM_001367624.2(ZNF469):c.8072A>G (p.Gln2691Arg)

Gene: ZNF469 (zinc finger protein 469; plus strand). Cytogenetic location: 16q24.2.
Variant type: single nucleotide variant.
Coding change: c.8072A>G on transcript NM_001367624.2 (MANE Select); coding-DNA position 8072, A replaced by G.
Protein change: p.Gln2691Arg; replaces glutamine 2691 with arginine.
Molecular consequence: missense variant.
Genome position (GRCh38, 1-based): chr16:88,435,542, A>G. VCF-style: chr16-88435542-A-G. GRCh37 (hg19) VCF-style: chr16-88501950-A-G.
Other names: short protein forms Q2691R.
Identifiers: ClinVar variation 514320 (VCV000514320.4), dbSNP rs573064293, ClinGen allele CA8225306.

ClinVar aggregate classification (germline): Likely benign. Review status: criteria provided, multiple submitters, no conflicts (2 of 4 stars). 2 submissions from 2 submitters: Likely benign (2). Last evaluated 2023-08-16.

Allele frequency attached by ClinVar (database versions not stated): gnomAD below 0.00001 and 0.00003; gnomAD exomes 0.00004 and 0.00018; 1000 Genomes Project 30x 0.00016; 1000 Genomes Project 0.00020; ExAC 0.00065.
gnomAD v4.1: 62 of 1,549,674 alleles (0.004%); highest among the groups gnomAD compares: South Asian, 0.074%; 1 homozygote.

Submissions (2):

Labcorp Genetics (formerly Invitae), Labcorp
Classification: Likely benign. Last evaluated: 2023-08-16. Review status: criteria provided, single submitter. Criteria: Invitae Variant Classification Sherloc (09022015). Collection method: clinical testing. Allele origin: germline.

GeneDx
Classification: Likely benign. Last evaluated: 2018-01-05. Review status: criteria provided, single submitter. Criteria: GeneDx Variant Classification (06012015). Collection method: clinical testing. Allele origin: germline. Affected: yes.
Comment: This variant is considered likely benign or benign based on one or more of the following criteria: it is a conservative change, it occurs at a poorly conserved position in the protein, it is predicted to be benign by multiple in silico algorithms, and/or has population frequency not consistent with disease.